The following is an entry in ClinVar:

NM_000059.4(BRCA2):c.67+3A>C

Gene: BRCA2 (BRCA2 DNA repair associated; plus strand). Cytogenetic location: 13q13.1.
Variant type: single nucleotide variant.
Coding change: c.67+3A>C on transcript NM_000059.4 (MANE Select); 3 bases into the intron after coding-DNA position 67, A replaced by C.
Molecular consequence: intron variant.
Genome position (GRCh38, 1-based): chr13:32,316,530, A>C. VCF-style: chr13-32316530-A-C. GRCh37 (hg19) VCF-style: chr13-32890667-A-C.
Identifiers: ClinVar variation 1755005 (VCV001755005.4), dbSNP rs1593880835, ClinGen allele CA2580086959.

ClinVar aggregate classification (germline): Likely pathogenic (1 of 4 stars; one submission).

Conditions:
Hereditary cancer-predisposing syndrome. Also called: Neoplastic Syndromes, Hereditary; Tumor predisposition; Hereditary Cancer Syndrome; Hereditary neoplastic syndrome. Identifiers: Orphanet 140162, MedGen C0027672, MeSH D009386, MONDO:0015356.

Submission:

Ambry Genetics
Classification: Likely pathogenic for Hereditary cancer-predisposing syndrome. Last evaluated: 2023-07-07. Review status: criteria provided, single submitter. Criteria: Ambry Variant Classification Scheme 2023. Collection method: clinical testing. Allele origin: germline.
Comment: The c.67+3A>C intronic variant results from an A to C substitution 3 nucleotides after coding exon 1 in the BRCA2 gene. This variant is considered to be rare based on population cohorts in the Genome Aggregation Database (gnomAD). This nucleotide position is highly conserved in available vertebrate species. In silico splice site analysis predicts that this alteration will weaken the native splice donor site. RNA studies have demonstrated that this alteration results in abnormal splicing in the set of samples tested (Ambry internal data). Another alteration at this location impacting the same donor site (c.67+3A>G) has also been reported to cause the skipping of coding exon 1 (described as exon 2 in the literature; Parsons MT et al. Mol Carcinog 2015 Jul;54(7):513-22) and has been detected in a compound heterozygous state with another pathogenic variant in an individual with Fanconi anemia (Feben C. et al. Fam Cancer 2017 07;16(3):441-446). Based on the majority of available evidence to date, this variant is likely to be pathogenic. However, because a similar variant observed to have the same splicing impact as this alteration is identified in one or more patients with Fanconi Anemia, this alteration may be hypomorphic and thus, carriers of this variant and their families may present with reduced risks, and not with the typical clinical characteristics of a high-risk pathogenic BRCA2 alteration. As risk estimates are unknown at this time, clinical correlation is advised.

Literature cited by the submitters: PubMed 24302565; PubMed 28185119.